The following is an entry in ClinVar:

ClinVar aggregate classification (germline): Uncertain significance (1 of 4 stars; one submission).

Conditions:
Developmental and epileptic encephalopathy 94 (DEE94). Also called: CHD2-Related Neurodevelopmental Disorders; Epileptic encephalopathy, childhood-onset. Identifiers: Orphanet 1942, Orphanet 2382, MedGen C3809278, MONDO:0014150, OMIM 615369.

Submission:

Labcorp Genetics (formerly Invitae), Labcorp
Classification: Uncertain significance for Developmental and epileptic encephalopathy 94. Last evaluated: 2024-10-14. Review status: criteria provided, single submitter. Criteria: Invitae Variant Classification Sherloc (09022015). Collection method: clinical testing. Allele origin: germline.
Comment: This sequence change replaces serine, which is neutral and polar, with glycine, which is neutral and non-polar, at codon 39 of the CHD2 protein (p.Ser39Gly). This variant is not present in population databases (gnomAD no frequency). This variant has not been reported in the literature in individuals affected with CHD2-related conditions. Invitae Evidence Modeling of protein sequence and biophysical properties (such as structural, functional, and spatial information, amino acid conservation, physicochemical variation, residue mobility, and thermodynamic stability) indicates that this missense variant is not expected to disrupt CHD2 protein function with a negative predictive value of 95%. In summary, the available evidence is currently insufficient to determine the role of this variant in disease. Therefore, it has been classified as a Variant of Uncertain Significance.

NM_001271.4(CHD2):c.115A>G (p.Ser39Gly)

Gene: CHD2 (chromodomain helicase DNA binding protein 2; plus strand). Cytogenetic location: 15q26.1.
Variant type: single nucleotide variant.
Coding change: c.115A>G on transcript NM_001271.4 (MANE Select); coding-DNA position 115, A replaced by G.
Protein change: p.Ser39Gly; replaces serine 39 with glycine.
Molecular consequence: missense variant.
Genome position (GRCh38, 1-based): chr15:92,924,373, A>G. VCF-style: chr15-92924373-A-G. GRCh37 (hg19) VCF-style: chr15-93467603-A-G.
Other names: c.115A>G, p.Ser39Gly (NM_001042572.3); short protein forms S39G.
Identifiers: ClinVar variation 3698526 (VCV003698526.2).